The following is an entry in ClinVar:

NM_004606.5(TAF1):c.709G>A (p.Gly237Arg)

Gene: TAF1 (TATA-box binding protein associated factor 1; plus strand). Cytogenetic location: Xq13.1.
Variant type: single nucleotide variant.
Coding change: c.709G>A on transcript NM_004606.5 (MANE Select); coding-DNA position 709, G replaced by A.
Protein change: p.Gly237Arg; replaces glycine 237 with arginine.
Molecular consequence: missense variant. On other transcripts: non-coding transcript variant (9).
Genome position (GRCh38, 1-based): chrX:71,377,186, G>A. VCF-style: chrX-71377186-G-A. GRCh37 (hg19) VCF-style: chrX-70597036-G-A.
Other names: c.709G>A, p.Gly237Arg (NM_001286074.2); c.646G>A, p.Gly216Arg (NM_138923.4); short protein forms G216R, G237R.
Identifiers: ClinVar variation 3378377 (VCV003378377.3).

ClinVar aggregate classification (germline): Uncertain significance. Review status: criteria provided, multiple submitters, no conflicts (2 of 4 stars). 2 submissions from 2 submitters: Uncertain significance (2). Last evaluated 2025-07-18.

Submissions (2):

Labcorp Genetics (formerly Invitae), Labcorp
Classification: Uncertain significance. Last evaluated: 2025-07-18. Review status: criteria provided, single submitter. Criteria: Invitae Variant Classification Sherloc (09022015). Collection method: clinical testing. Allele origin: germline.
Comment: This sequence change replaces glycine, which is neutral and non-polar, with arginine, which is basic and polar, at codon 257 of the TAF1 protein (p.Gly257Arg). This variant is not present in population databases (gnomAD no frequency). This variant has not been reported in the literature in individuals affected with TAF1-related conditions. ClinVar contains an entry for this variant (Variation ID: 3378377). Invitae Evidence Modeling of protein sequence and biophysical properties (such as structural, functional, and spatial information, amino acid conservation, physicochemical variation, residue mobility, and thermodynamic stability) indicates that this missense variant is not expected to disrupt TAF1 protein function with a negative predictive value of 80%. In summary, the available evidence is currently insufficient to determine the role of this variant in disease. Therefore, it has been classified as a Variant of Uncertain Significance.

GeneDx
Classification: Uncertain significance. Last evaluated: 2025-06-16. Review status: criteria provided, single submitter. Criteria: GeneDx Variant Classification Process June 2021. Collection method: clinical testing. Allele origin: germline. Affected: yes.
Comment: Not observed at significant frequency in large population cohorts (gnomAD); In silico analysis supports that this missense variant has a deleterious effect on protein structure/function; Has not been previously published as pathogenic or benign to our knowledge